The following is an entry in ClinVar:

ClinVar aggregate classification (germline): Uncertain significance (1 of 4 stars; one submission).

Conditions:
Alstrom syndrome (ALMS). Identifiers: Orphanet 64, MedGen C0268425, MONDO:0008763, OMIM 203800.

Submission:

Labcorp Genetics (formerly Invitae), Labcorp
Classification: Uncertain significance for Alstrom syndrome. Last evaluated: 2025-03-18. Review status: criteria provided, single submitter. Criteria: Invitae Variant Classification Sherloc (09022015). Collection method: clinical testing. Allele origin: germline.
Comment: This sequence change replaces proline, which is neutral and non-polar, with leucine, which is neutral and non-polar, at codon 1970 of the ALMS1 protein (p.Pro1970Leu). This variant is not present in population databases (gnomAD no frequency). This variant has not been reported in the literature in individuals affected with ALMS1-related conditions. Experimental studies and prediction algorithms are not available or were not evaluated, and the functional significance of this variant is currently unknown. In summary, the available evidence is currently insufficient to determine the role of this variant in disease. Therefore, it has been classified as a Variant of Uncertain Significance.

NM_001378454.1(ALMS1):c.5906C>T (p.Pro1969Leu)

Gene: ALMS1 (ALMS1 centrosome and basal body associated protein; plus strand). Cytogenetic location: 2p13.1.
Variant type: single nucleotide variant.
Coding change: c.5906C>T on transcript NM_001378454.1 (MANE Select); coding-DNA position 5906, C replaced by T.
Protein change: p.Pro1969Leu; replaces proline 1969 with leucine.
Molecular consequence: missense variant.
Genome position (GRCh38, 1-based): chr2:73,452,433, C>T. VCF-style: chr2-73452433-C-T. GRCh37 (hg19) VCF-style: chr2-73679560-C-T.
Other names: c.5909C>T, p.Pro1970Leu (NM_015120.4); short protein forms P1969L, P1970L.
Identifiers: ClinVar variation 4755143 (VCV004755143.1).